The following is an entry in ClinVar:

ClinVar aggregate classification (germline): Pathogenic (1 of 4 stars; one submission).

Submission:

Labcorp Genetics (formerly Invitae), Labcorp
Classification: Pathogenic. Last evaluated: 2023-10-11. Review status: criteria provided, single submitter. Criteria: Invitae Variant Classification Sherloc (09022015). Collection method: clinical testing. Allele origin: germline.
Comment: This sequence change creates a premature translational stop signal (p.Thr553Leufs*14) in the HPS5 gene. It is expected to result in an absent or disrupted protein product. Loss-of-function variants in HPS5 are known to be pathogenic (PMID: 12548288, 15296495, 21833017, 26785811). This variant is not present in population databases (gnomAD no frequency). This variant has not been reported in the literature in individuals affected with HPS5-related conditions. For these reasons, this variant has been classified as Pathogenic.

Literature cited by the submitters: PubMed 12548288; PubMed 15296495; PubMed 21833017; PubMed 26785811.

NM_181507.2(HPS5):c.1657del (p.Thr553fs)

Gene: HPS5 (HPS5 biogenesis of lysosomal organelles complex 2 subunit 2; minus strand). Cytogenetic location: 11p15.1.
Variant type: Deletion.
Coding change: c.1657del on transcript NM_181507.2 (MANE Select); coding-DNA position 1657, one base deleted (A; older notation c.1657delA).
Protein change: p.Thr553fs; shifts the reading frame from threonine 553.
Molecular consequence: frameshift variant.
Genome position (GRCh38, 1-based): chr11:18,295,147, T deleted on the plus strand (A on the coding strand, the reverse complement: HPS5 is on the minus strand); the first of 4 consecutive T bases (chr11:18,295,147-18,295,150); deleting any one gives the same sequence. VCF-style (leftmost placement, unchanged base first): chr11-18295146-GT-G. GRCh37 (hg19) VCF-style: chr11-18316693-GT-G.
Other names: c.1315del, p.Thr439fs (NM_007216.4); c.1312delA, p.Thr439Leufs (NM_181508.2); short protein forms T553fs, T439fs.
Identifiers: ClinVar variation 2840479 (VCV002840479.3), dbSNP rs2494686109, ClinGen allele CA2739276278.